The following is an entry in ClinVar:

NM_001195553.2(DCX):c.320T>C (p.Ile107Thr)

Gene: DCX (doublecortin; minus strand). Cytogenetic location: Xq23.
Variant type: single nucleotide variant.
Coding change: c.320T>C on transcript NM_001195553.2 (MANE Select); coding-DNA position 320, T replaced by C.
Protein change: p.Ile107Thr; replaces isoleucine 107 with threonine.
Molecular consequence: missense variant.
Genome position (GRCh38, 1-based): chrX:111,410,079, A>G on the plus strand (T>C on the coding strand, the complement: DCX is on the minus strand). VCF-style: chrX-111410079-A-G. GRCh37 (hg19) VCF-style: chrX-110653307-A-G.
Other names: c.563T>C, p.Ile188Thr (NM_000555.3); c.320T>C, p.Ile107Thr (NM_001369370.1, NM_001369371.1, NM_001369372.1 and 5 more transcripts); c.320T>C (NM_178153.2); short protein forms I107T, I188T.
Identifiers: ClinVar variation 422142 (VCV000422142.3), dbSNP rs1064795584, ClinGen allele CA16621180.

ClinVar aggregate classification (germline): Uncertain significance. Review status: criteria provided, multiple submitters, no conflicts (2 of 4 stars). 2 submissions from 2 submitters: Uncertain significance (2). Last evaluated 2025-05-19.

Conditions:
Inborn genetic diseases. Identifiers: MedGen C0950123, MeSH D030342.

Allele frequency attached by ClinVar (database versions not stated): gnomAD exomes below 0.00001; TOPMed 0.00001.
gnomAD v4.1: 2 of 1,211,496 alleles (0.00017%); highest among the groups gnomAD compares: Non-Finnish European, 0.00022%; no homozygotes.

Submissions (2):

Ambry Genetics
Classification: Uncertain significance for Inborn genetic diseases. Last evaluated: 2025-05-19. Review status: criteria provided, single submitter. Criteria: Ambry Variant Classification Scheme 2023. Collection method: clinical testing. Allele origin: germline.

GeneDx
Classification: Uncertain significance. Last evaluated: 2016-09-12. Review status: criteria provided, single submitter. Criteria: GeneDx Variant Classification (06012015). Collection method: clinical testing. Allele origin: germline. Affected: yes.
Comment: The I107T variant in the DCX gene has not been reported previously as a pathogenic variant, nor as a benign variant, to our knowledge. The I107T variant was not observed in approximately 6500 individuals of European and African American ancestry in the NHLBI Exome Sequencing Project, indicating it is not a common benign variant in these populations. The I107T variant is a non-conservative amino acid substitution, which is likely to impact secondary protein structure as these residues differ in polarity, charge, size and/or other properties. This substitution occurs at a position that is conserved across species. In silico analysis predicts this variant is probably damaging to the protein structure/function. Missense variants in nearby residues (R102C, R102S, I104T, Y105C) have been reported in the Human Gene Mutation Database in association with DCX-related disorders (Stenson et al., 2014), supporting the functional importance of this region of the protein. We interpret I107T as a variant of uncertain significance.